The following is an entry in ClinVar:

NM_002834.5(PTPN11):c.1205A>C (p.Lys402Thr)

Gene: PTPN11 (protein tyrosine phosphatase non-receptor type 11; plus strand). Cytogenetic location: 12q24.13.
Variant type: single nucleotide variant.
Coding change: c.1205A>C on transcript NM_002834.5 (MANE Select); coding-DNA position 1205, A replaced by C.
Protein change: p.Lys402Thr; replaces lysine 402 with threonine.
Molecular consequence: missense variant.
Genome position (GRCh38, 1-based): chr12:112,482,186, A>C. VCF-style: chr12-112482186-A-C. GRCh37 (hg19) VCF-style: chr12-112919990-A-C.
Other names: c.1205A>C, p.Lys402Thr (NM_001330437.2, NM_080601.3); c.1202A>C, p.Lys401Thr (NM_001374625.1); short protein forms K401T, K402T.
Identifiers: ClinVar variation 1805416 (VCV001805416.4), dbSNP rs2540457179, ClinGen allele CA386776060.
Genomic context (GRCh38, chr12:112,482,186, plus strand): 5'-TCATGCGTGTTAGGAACGTCAAAGAAAGCGCCGCTCATGACTATACGCTAAGAGAACTTA[A>C]ACTTTCAAAGGTTGGACAAGTAAGTATATTGTCGTATTCTAGAGACTTTGGGAACTGTTG-3'
Protein context (NP_002825.3, residues 392-412): AAHDYTLREL[Lys402Thr]LSKVGQGNTE

ClinVar aggregate classification (germline): Uncertain significance. Review status: criteria provided, multiple submitters, no conflicts (2 of 4 stars). 4 submissions from 4 submitters: Uncertain significance (4). Last evaluated 2025-06-02.

Conditions:
Noonan syndrome 1 (NS1). Also called: TURNER PHENOTYPE WITH NORMAL KARYOTYPE; FEMALE PSEUDO-TURNER SYNDROME; PTPN11-Related Noonan Syndrome. Identifiers: Orphanet 648, MedGen C4551602, MONDO:0008104, OMIM 163950. Disease mechanism: gain of function.
RASopathy. Also called: Noonan spectrum disorder; rasopathies. Identifiers: Orphanet 536391, MedGen C5555857, MONDO:0021060.

Submissions (4):

Labcorp Genetics (formerly Invitae), Labcorp
Classification: Uncertain significance for RASopathy. Last evaluated: 2025-06-02. Review status: criteria provided, single submitter. Criteria: Invitae Variant Classification Sherloc (09022015). Collection method: clinical testing. Allele origin: germline.
Comment: This sequence change replaces lysine, which is basic and polar, with threonine, which is neutral and polar, at codon 402 of the PTPN11 protein (p.Lys402Thr). This variant is not present in population databases (gnomAD no frequency). This variant has not been reported in the literature in individuals affected with PTPN11-related conditions. ClinVar contains an entry for this variant (Variation ID: 1805416). Invitae Evidence Modeling of protein sequence and biophysical properties (such as structural, functional, and spatial information, amino acid conservation, physicochemical variation, residue mobility, and thermodynamic stability) indicates that this missense variant is not expected to disrupt PTPN11 protein function with a negative predictive value of 80%. In summary, the available evidence is currently insufficient to determine the role of this variant in disease. Therefore, it has been classified as a Variant of Uncertain Significance.

GeneDx
Classification: Uncertain significance. Last evaluated: 2024-09-07. Review status: criteria provided, single submitter. Criteria: GeneDx Variant Classification Process June 2021. Collection method: clinical testing. Allele origin: germline. Affected: yes.
Comment: Not observed at significant frequency in large population cohorts (gnomAD); Missense variants in this gene are a common cause of disease and they are underrepresented in the general population; In silico analysis indicates that this missense variant does not alter protein structure/function; Has not been previously published as pathogenic or benign to our knowledge; This variant is associated with the following publications: (PMID: 16030196, 29493581)

Blueprint Genetics
Classification: Uncertain significance. Last evaluated: 2022-12-22. Review status: criteria provided, single submitter. Criteria: ACMG Guidelines, 2015. Collection method: clinical testing. Allele origin: germline.

Victorian Clinical Genetics Services, Murdoch Childrens Research Institute
Classification: Uncertain significance for Noonan syndrome 1. Last evaluated: 2022-02-02. Review status: criteria provided, single submitter. Criteria: ACMG Guidelines, 2015. Collection method: clinical testing. Allele origin: germline. Inheritance: Autosomal dominant inheritance.
Comment: Based on the classification scheme VCGS_Germline_v1.3.4, this variant is classified as VUS-3B. Following criteria are met: 0103 - Both loss- and gain-of-function are known mechanisms of disease for this gene. Metachondromatosis (MIM#156250) and Noonan syndrome with multiple lentigines have been associated with loss of function variants, whereas Noonan syndrome 1 (MIM#163950) is caused by gain of function variants (PMIDs: 11992261, 24935154, 21533187). (I) 0107 - This gene is associated with autosomal dominant disease. (I) 0115 - Variants in this gene associated with Noonan syndrome are known to have variable expressivity (GeneReviews). (I) 0200 - Variant is predicted to result in a missense amino acid change from lysine to threonine. (I) 0251 - This variant is heterozygous. (I) 0301 - Variant is absent from gnomAD (both v2 and v3). (SP) 0502 - Missense variant with conflicting in silico predictions and uninformative conservation. (I) 0600 - Variant is located in the annotated tyrosine-protein phosphatase domain (UniProt). (I) 0705 - No comparable missense variants have previous evidence for pathogenicity. (I) 0807 - This variant has no previous evidence of pathogenicity. (I) 0905 - No published segregation evidence has been identified for this variant. (I) 1007 - No published functional evidence has been identified for this variant. (I) 1208 - Inheritance information for this variant is not currently available in this individual. (I) Legend: (SP) - Supporting pathogenic, (I) - Information, (SB) - Supporting benign

Literature cited by the submitters: PubMed 11992261 (cited by Victorian Clinical Genetics Services, Murdoch Childrens Research Institute); PubMed 21533187 (cited by Victorian Clinical Genetics Services, Murdoch Childrens Research Institute); PubMed 24935154 (cited by Victorian Clinical Genetics Services, Murdoch Childrens Research Institute).